The following is an entry in ClinVar:

NM_025114.4(CEP290):c.7073_7077dup (p.His2360Ter)

Gene: CEP290 (centrosomal protein 290; minus strand). Cytogenetic location: 12q21.32.
Variant type: Duplication.
Coding change: c.7073_7077dup on transcript NM_025114.4 (MANE Select); coding-DNA positions 7073 to 7077, 5 bases duplicated (TAATC; older notation c.7073_7077dupTAATC).
Protein change: p.His2360Ter; replaces histidine 2360 with a stop codon.
Molecular consequence: nonsense.
Genome position (GRCh38, 1-based): chr12:88,053,704-88,053,708, GATTA duplicated on the plus strand (TAATC on the coding strand, the reverse complement: CEP290 is on the minus strand). VCF-style (leftmost placement, unchanged base first): chr12-88053703-G-GGATTA. GRCh37 (hg19) VCF-style: chr12-88447480-G-GGATTA.
Other names: c.7073_7077dupTAATC (NM_025114.3); c.7073_7077dup5 (NM_025114.3); short protein forms H2360*.
Identifiers: ClinVar variation 651557 (VCV000651557.14), dbSNP rs1294402003, ClinGen allele CA606447808.

ClinVar aggregate classification (germline): Pathogenic/Likely pathogenic. Review status: criteria provided, multiple submitters, no conflicts (2 of 4 stars). 6 submissions from 6 submitters: Pathogenic (1); Likely pathogenic (3). 2 of the submissions do not count toward it. Last evaluated 2024-07-10.

Conditions:
CEP290-related disorder. Also called: CEP290-related disorders; CEP290-related condition. Identifiers: MedGen CN239314.
Retinal dystrophy. Also called: Inherited retinal dystrophy. Identifiers: Orphanet 71862, MedGen C0854723, MeSH D058499, MONDO:0019118, HP:0000556.
Joubert syndrome 5 (JBTS5). Identifiers: Orphanet 2318, MedGen C1857780, MONDO:0012432, OMIM 610188.
Bardet-Biedl syndrome 14 (BBS14). Identifiers: Orphanet 110, MedGen C2673874, MONDO:0014442, OMIM 615991.
Leber congenital amaurosis 10 (LCA10). Identifiers: Orphanet 65, MedGen C1857821, MONDO:0012723, OMIM 611755.
Meckel syndrome, type 4 (MKS4). Also called: MECKEL-GRUBER SYNDROME, TYPE 4. Identifiers: Orphanet 564, MedGen C1970161, MONDO:0012626, OMIM 611134.
Senior-Loken syndrome 6 (SLSN6). Identifiers: Orphanet 3156, MedGen C1857779, MONDO:0012433, OMIM 610189.
Meckel-Gruber syndrome. Also called: Dysencephalia splachnocystica; DYSENCEPHALIA SPLANCHNOCYSTICA; GRUBER SYNDROME. Identifiers: Orphanet 564, MedGen C0265215, MONDO:0018921.
Nephronophthisis. Also called: Juvenile Nephronophthisis. Identifiers: Orphanet 655, MedGen C0687120, MONDO:0019005, HP:0000090.
Joubert syndrome. Also called: Familial aplasia of the vermis; CEREBELLOPARENCHYMAL DISORDER IV; JOUBERT-BOLTSHAUSER SYNDROME. Identifiers: Orphanet 475, MedGen C5979921, MONDO:0018772.
Leber congenital amaurosis (LCA). Also called: Leber's amaurosis. Identifiers: Orphanet 65, MedGen C0339527, MeSH D057130, MONDO:0018998.

Allele frequency attached by ClinVar (database versions not stated): gnomAD exomes below 0.00001 and 0.00001; gnomAD 0.00003 and 0.00004; TOPMed 0.00003.

Submissions (6):

Natera, Inc.
Classification: Likely pathogenic for Leber congenital amaurosis. Last evaluated: 2024-07-10. Review status: criteria provided, single submitter. Criteria: Natera Variant Classification Schema (03/2026). Collection method: clinical testing. Allele origin: germline.
Comment: The c.7073_7077dup variant in CEP290 is a frameshift variant predicted to shift the reading frame and introduce a stop codon. This variant is expected to result in nonsense mediated decay, truncation, or a dysfunctional protein product. This variant is rare in the general population with a frequency below the threshold expected for the associated phenotype(s). Given the available evidence, this variant is classified as Likely Pathogenic.

Fulgent Genetics
Classification: Likely pathogenic for Joubert syndrome 5; Senior-Loken syndrome 6; Meckel syndrome, type 4; Leber congenital amaurosis 10; Bardet-Biedl syndrome 14. Last evaluated: 2024-06-01. Review status: criteria provided, single submitter. Criteria: ACMG Guidelines, 2015. Collection method: clinical testing. Allele origin: germline.

Baylor Genetics
Classification: Likely pathogenic for Bardet-Biedl syndrome 14. Last evaluated: 2024-02-29. Review status: criteria provided, single submitter. Criteria: ACMG Guidelines, 2015. Collection method: clinical testing. Allele origin: unknown.

Labcorp Genetics (formerly Invitae), Labcorp
Classification: Pathogenic for Joubert syndrome; Meckel-Gruber syndrome; Nephronophthisis. Last evaluated: 2022-04-12. Review status: criteria provided, single submitter. Criteria: Invitae Variant Classification Sherloc (09022015). Collection method: clinical testing. Allele origin: germline.
Comment: For these reasons, this variant has been classified as Pathogenic. ClinVar contains an entry for this variant (Variation ID: 651557). This variant has not been reported in the literature in individuals affected with CEP290-related conditions. The frequency data for this variant in the population databases is considered unreliable, as metrics indicate poor data quality at this position in the gnomAD database. This sequence change creates a premature translational stop signal (p.His2360*) in the CEP290 gene. It is expected to result in an absent or disrupted protein product. Loss-of-function variants in CEP290 are known to be pathogenic (PMID: 16909394, 17345604, 20690115).

PreventionGenetics, part of Exact Sciences
Classification: Likely pathogenic for CEP290-related condition. Last evaluated: 2024-03-29. Review status: no assertion criteria provided. Collection method: clinical testing. Allele origin: germline. Not counted in ClinVar's aggregate classification.
Comment: The CEP290 c.7073_7077dup5 variant is predicted to result in premature protein termination (p.His2360*). To our knowledge, this variant has not previously been reported in the literature. This variant is reported in 0.0039% of alleles in individuals of Latino descent in gnomAD. Nonsense variants in CEP290 are expected to be pathogenic. This variant is interpreted as likely pathogenic.

Institute of Human Genetics, Univ. Regensburg, Univ. Regensburg
Classification: Pathogenic for Retinal dystrophy. Last evaluated: 2019-01-01. Review status: no assertion criteria provided. Criteria: ACMG Guidelines, 2015. Collection method: clinical testing. Allele origin: germline. Affected: yes. Not counted in ClinVar's aggregate classification.

Literature cited by the submitters: PubMed 16909394 (cited by Labcorp Genetics (formerly Invitae), Labcorp); PubMed 17345604 (cited by Labcorp Genetics (formerly Invitae), Labcorp); PubMed 20690115 (cited by Labcorp Genetics (formerly Invitae), Labcorp).